The following is an entry in ClinVar:

NM_017763.6(RNF43):c.1183C>A (p.His395Asn)

Gene: RNF43 (ring finger protein 43; minus strand). Cytogenetic location: 17q22.
Variant type: single nucleotide variant.
Coding change: c.1183C>A on transcript NM_017763.6 (MANE Select); coding-DNA position 1183, C replaced by A.
Protein change: p.His395Asn; replaces histidine 395 with asparagine.
Molecular consequence: missense variant.
Genome position (GRCh38, 1-based): chr17:58,358,593, G>T on the plus strand (C>A on the coding strand, the complement: RNF43 is on the minus strand). VCF-style: chr17-58358593-G-T. GRCh37 (hg19) VCF-style: chr17-56435954-G-T.
Other names: c.1183C>A, p.His395Asn (NM_001305544.3); c.802C>A, p.His268Asn (NM_001305545.2); short protein forms H268N, H395N.
Identifiers: ClinVar variation 2988409 (VCV002988409.3), dbSNP rs2143420988, ClinGen allele CA400331095.

ClinVar aggregate classification (germline): Uncertain significance (1 of 4 stars; one submission).

gnomAD v4.1: 1 of 1,587,124 alleles (0.000063%); highest among the groups gnomAD compares: Non-Finnish European, 0.000086%; no homozygotes.

Submission:

Labcorp Genetics (formerly Invitae), Labcorp
Classification: Uncertain significance. Last evaluated: 2024-06-28. Review status: criteria provided, single submitter. Criteria: Invitae Variant Classification Sherloc (09022015). Collection method: clinical testing. Allele origin: germline.
Comment: This sequence change replaces histidine, which is basic and polar, with asparagine, which is neutral and polar, at codon 395 of the RNF43 protein (p.His395Asn). This variant is not present in population databases (gnomAD no frequency). This variant has not been reported in the literature in individuals affected with RNF43-related conditions. An algorithm developed to predict the effect of missense changes on protein structure and function (PolyPhen-2) suggests that this variant is likely to be tolerated. In summary, the available evidence is currently insufficient to determine the role of this variant in disease. Therefore, it has been classified as a Variant of Uncertain Significance.